The following is an entry in ClinVar:

ClinVar aggregate classification (germline): Uncertain significance. Review status: criteria provided, multiple submitters, no conflicts (2 of 4 stars). 2 submissions from 2 submitters: Uncertain significance (2). Last evaluated 2022-02-08.

Conditions:
Cholestanol storage disease (CTX). Also called: Cerebrotendinous Xanthomatosis; CTX: Cerebrotendinous xanthomatosis; CEREBRAL CHOLESTERINOSIS. Identifiers: Orphanet 909, MedGen C0238052, MONDO:0008948, OMIM 213700.

Submissions (2):

Labcorp Genetics (formerly Invitae), Labcorp
Classification: Uncertain significance for Cholestanol storage disease. Last evaluated: 2022-02-08. Review status: criteria provided, single submitter. Criteria: Invitae Variant Classification Sherloc (09022015). Collection method: clinical testing. Allele origin: germline.
Comment: This sequence change replaces histidine, which is basic and polar, with arginine, which is basic and polar, at codon 362 of the CYP27A1 protein (p.His362Arg). This variant is not present in population databases (gnomAD no frequency). This variant has not been reported in the literature in individuals affected with CYP27A1-related conditions. ClinVar contains an entry for this variant (Variation ID: 288055). Advanced modeling of protein sequence and biophysical properties (such as structural, functional, and spatial information, amino acid conservation, physicochemical variation, residue mobility, and thermodynamic stability) performed at Invitae indicates that this missense variant is not expected to disrupt CYP27A1 protein function. In summary, the available evidence is currently insufficient to determine the role of this variant in disease. Therefore, it has been classified as a Variant of Uncertain Significance.

Eurofins Ntd Llc (ga)
Classification: Uncertain significance. Last evaluated: 2016-05-19. Review status: criteria provided, single submitter. Criteria: EGL Classification Definitions 2015. Collection method: clinical testing. Allele origin: germline. Observed: 1 variant allele, 1 heterozygote.

NM_000784.4(CYP27A1):c.1085A>G (p.His362Arg)

Gene: CYP27A1 (cytochrome P450 family 27 subfamily A member 1; plus strand). Cytogenetic location: 2q35.
Variant type: single nucleotide variant.
Coding change: c.1085A>G on transcript NM_000784.4 (MANE Select); coding-DNA position 1085, A replaced by G.
Protein change: p.His362Arg; replaces histidine 362 with arginine.
Molecular consequence: missense variant.
Genome position (GRCh38, 1-based): chr2:218,814,088, A>G. VCF-style: chr2-218814088-A-G. GRCh37 (hg19) VCF-style: chr2-219678811-A-G.
Other names: short protein forms H362R.
Identifiers: ClinVar variation 288055 (VCV000288055.7), dbSNP rs886043798, ClinGen allele CA10605957.